The following is an entry in ClinVar:

NM_032119.4(ADGRV1):c.17148_17149del (p.Asn5718fs)

Gene: ADGRV1 (adhesion G protein-coupled receptor V1; plus strand). Cytogenetic location: 5q14.3.
Variant type: Deletion.
Coding change: c.17148_17149del on transcript NM_032119.4 (MANE Select); coding-DNA positions 17148 to 17149, 2 bases deleted (TG; older notation c.17148_17149delTG).
Protein change: p.Asn5718fs; shifts the reading frame from asparagine 5718.
Molecular consequence: frameshift variant. On other transcripts: non-coding transcript variant (1).
Genome position (GRCh38, 1-based): chr5:90,848,765-90,848,766, TG deleted. VCF-style (leftmost placement, unchanged base first): chr5-90848764-CTG-C. GRCh37 (hg19) VCF-style: chr5-90144581-CTG-C.
Other names: short protein forms N5718fs.
Identifiers: ClinVar variation 1994600 (VCV001994600.4), dbSNP rs2532502120, ClinGen allele CA2580073760.

ClinVar aggregate classification (germline): Pathogenic (1 of 4 stars; one submission).

Submission:

Labcorp Genetics (formerly Invitae), Labcorp
Classification: Pathogenic. Last evaluated: 2023-06-05. Review status: criteria provided, single submitter. Criteria: Invitae Variant Classification Sherloc (09022015). Collection method: clinical testing. Allele origin: germline.
Comment: ClinVar contains an entry for this variant (Variation ID: 1994600). For these reasons, this variant has been classified as Pathogenic. This variant has not been reported in the literature in individuals affected with ADGRV1-related conditions. This variant is not present in population databases (gnomAD no frequency). This sequence change creates a premature translational stop signal (p.Asn5718Phefs*8) in the ADGRV1 gene. It is expected to result in an absent or disrupted protein product. Loss-of-function variants in ADGRV1 are known to be pathogenic (PMID: 19357117, 22135276, 22147658, 26226137, 30718709, 31047384, 32467589).

Literature cited by the submitters: PubMed 19357117; PubMed 22135276; PubMed 22147658; PubMed 26226137; PubMed 30718709; PubMed 31047384; PubMed 32467589.